The following is an entry in ClinVar:

ClinVar aggregate classification (germline): Uncertain significance. Review status: criteria provided, multiple submitters, no conflicts (2 of 4 stars). 3 submissions from 3 submitters: Uncertain significance (3). Last evaluated 2025-09-21.

Conditions:
Rienhoff syndrome. Also called: LOEYS-DIETZ SYNDROME 5. Identifiers: MedGen C3810012, MONDO:0014262, OMIM 615582.
Familial thoracic aortic aneurysm and aortic dissection (TAAD). Also called: Thoracic aortic aneurysms and dissections. Identifiers: Orphanet 91387, MedGen C4707243, MONDO:0019625.

Allele frequency attached by ClinVar (database versions not stated): gnomAD exomes below 0.00001 and 0.00001; TOPMed below 0.00001; gnomAD 0.00001.
gnomAD v4.1: 10 of 1,613,956 alleles (0.00062%); highest among the groups gnomAD compares: South Asian, 0.0044%; no homozygotes.

Submissions (3):

Ambry Genetics
Classification: Uncertain significance for Familial thoracic aortic aneurysm and aortic dissection. Last evaluated: 2025-09-21. Review status: criteria provided, single submitter. Criteria: Ambry Variant Classification Scheme 2023. Collection method: clinical testing. Allele origin: germline.

GeneDx
Classification: Uncertain significance. Last evaluated: 2022-11-16. Review status: criteria provided, single submitter. Criteria: GeneDx Variant Classification Process June 2021. Collection method: clinical testing. Allele origin: germline. Affected: yes.
Comment: Not observed at significant frequency in large population cohorts (gnomAD); In silico analysis supports that this missense variant does not alter protein structure/function; Has not been previously published as pathogenic or benign to our knowledge

Labcorp Genetics (formerly Invitae), Labcorp
Classification: Uncertain significance for Rienhoff syndrome. Last evaluated: 2021-08-05. Review status: criteria provided, single submitter. Criteria: Invitae Variant Classification Sherloc (09022015). Collection method: clinical testing. Allele origin: germline.
Comment: Algorithms developed to predict the effect of missense changes on protein structure and function output the following: SIFT: "Tolerated"; PolyPhen-2: "Benign"; Align-GVGD: "Class C0". The glutamine amino acid residue is found in multiple mammalian species, which suggests that this missense change does not adversely affect protein function. This sequence change replaces arginine with glutamine at codon 175 of the TGFB3 protein (p.Arg175Gln). The arginine residue is moderately conserved and there is a small physicochemical difference between arginine and glutamine. This variant is not present in population databases (ExAC no frequency). This variant has not been reported in the literature in individuals affected with TGFB3-related conditions. In summary, the available evidence is currently insufficient to determine the role of this variant in disease. Therefore, it has been classified as a Variant of Uncertain Significance.

NM_003239.5(TGFB3):c.524G>A (p.Arg175Gln)

Gene: TGFB3 (transforming growth factor beta 3; minus strand). Cytogenetic location: 14q24.3.
Variant type: single nucleotide variant.
Coding change: c.524G>A on transcript NM_003239.5 (MANE Select); coding-DNA position 524, G replaced by A.
Protein change: p.Arg175Gln; replaces arginine 175 with glutamine.
Molecular consequence: missense variant.
Genome position (GRCh38, 1-based): chr14:75,971,248, C>T on the plus strand (G>A on the coding strand, the complement: TGFB3 is on the minus strand). VCF-style: chr14-75971248-C-T. GRCh37 (hg19) VCF-style: chr14-76437591-C-T.
Other names: c.524G>A, p.Arg175Gln (NM_001329938.2, NM_001329939.2); short protein forms R175Q.
Identifiers: ClinVar variation 1386255 (VCV001386255.7), dbSNP rs1319852054, ClinGen allele CA390469715.